The following is an entry in ClinVar:

ClinVar aggregate classification (germline): Pathogenic (1 of 4 stars; one submission).

Submission:

Labcorp Genetics (formerly Invitae), Labcorp
Classification: Pathogenic. Last evaluated: 2022-02-01. Review status: criteria provided, single submitter. Criteria: Invitae Variant Classification Sherloc (09022015). Collection method: clinical testing. Allele origin: germline.
Comment: This variant is not present in population databases (gnomAD no frequency). This sequence change creates a premature translational stop signal (p.Gly111Phefs*34) in the COL4A5 gene. It is expected to result in an absent or disrupted protein product. Loss-of-function variants in COL4A5 are known to be pathogenic (PMID: 9195222, 10752524, 14514738, 24854265, 26809805). This variant has not been reported in the literature in individuals affected with COL4A5-related conditions. For these reasons, this variant has been classified as Pathogenic.

Literature cited by the submitters: PubMed 9195222; PubMed 10752524; PubMed 14514738; PubMed 24854265; PubMed 26809805.

NM_033380.3(COL4A5):c.331_361del (p.Gly111fs)

Gene: COL4A5 (collagen type IV alpha 5 chain; plus strand). Cytogenetic location: Xq22.3.
Variant type: Deletion.
Coding change: c.331_361del on transcript NM_033380.3 (MANE Select); coding-DNA positions 331 to 361, 31 bases deleted.
Protein change: p.Gly111fs; shifts the reading frame from glycine 111.
Molecular consequence: frameshift variant.
Genome position (GRCh38, 1-based): chrX:108,568,768-108,568,798, 31 bases deleted; deleting any 31 consecutive bases within chrX:108,568,767-108,568,798 gives the same sequence; the c. name uses the placement nearest the transcript's 3' end. GRCh37 (hg19): chrX:107,811,998-107,812,028.
Other names: c.331_361del, p.Gly111fs (NM_000495.5); short protein forms G111fs.
Identifiers: ClinVar variation 2091306 (VCV002091306.4), dbSNP rs2524196706, ClinGen allele CA2580100241.